The following is an entry in ClinVar:

ClinVar aggregate classification (germline): Uncertain significance (1 of 4 stars; one submission).

Conditions:
Ataxia-telangiectasia syndrome (AT). Also called: Cerebello-oculocutaneous telangiectasia; Immunodeficiency with ataxia telangiectasia; Ataxia-telangiectasia, complementation group E; Ataxia-telangiectasia, complementation group D; AT, COMPLEMENTATION GROUP C; ATAXIA-TELANGIECTASIA, COMPLEMENTATION GROUP A. Identifiers: Orphanet 100, MedGen C0004135, MONDO:0008840, OMIM 208900.

Submission:

Labcorp Genetics (formerly Invitae), Labcorp
Classification: Uncertain significance for Ataxia-telangiectasia syndrome. Last evaluated: 2017-10-30. Review status: criteria provided, single submitter. Criteria: Invitae Variant Classification Sherloc (09022015). Collection method: clinical testing. Allele origin: germline.
Comment: This sequence change replaces asparagine with lysine at codon 2794 of the ATM protein (p.Asn2794Lys). The asparagine residue is weakly conserved and there is a moderate physicochemical difference between asparagine and lysine. This variant is not present in population databases (ExAC no frequency). This variant has not been reported in the literature in individuals with ATM-related disease. Algorithms developed to predict the effect of missense changes on protein structure and function output the following: SIFT: "Tolerated"; PolyPhen-2: "Benign"; Align-GVGD: "Class C0". The lysine amino acid residue is found in multiple mammalian species, suggesting that this missense change does not adversely affect protein function. These predictions have not been confirmed by published functional studies and their clinical significance is uncertain. In summary, the available evidence is currently insufficient to determine the role of this variant in disease. Therefore, it has been classified as a Variant of Uncertain Significance.

NM_000051.4(ATM):c.8382T>A (p.Asn2794Lys)

Genes: C11orf65 (chromosome 11 open reading frame 65; minus strand), ATM (ATM serine/threonine kinase; plus strand). Cytogenetic location: 11q22.3.
Variant type: single nucleotide variant.
Coding change: c.8382T>A on transcript NM_000051.4 (MANE Select); coding-DNA position 8382, T replaced by A.
Protein change: p.Asn2794Lys; replaces asparagine 2794 with lysine.
Molecular consequence: missense variant. On other transcripts: intron variant (2).
Genome position (GRCh38, 1-based): chr11:108,343,335, T>A. VCF-style: chr11-108343335-T-A. GRCh37 (hg19) VCF-style: chr11-108214062-T-A.
Other names: c.695-8043A>T (NM_001351110.2); c.8382T>A, p.Asn2794Lys (NM_001351834.2); c.641-34264A>T (NM_001330368.2); short protein forms N2794K.
Identifiers: ClinVar variation 524311 (VCV000524311.9), dbSNP rs1555135797, ClinGen allele CA382516550.
Genomic context (GRCh38, chr11:108,343,335, plus strand): 5'-CCCCATTGGTGAATTTCTTGTTAACAATGAAGATGGTGCTCATAAAAGATACAGGCCAAA[T>A]GATTTCAGTGCCTTTCAGTGCCAAAAGAAAATGATGGTGAGTGACACCCAAAATTAAAGG-3'
Protein context (NP_000042.3, residues 2784-2804): EDGAHKRYRP[Asn2794Lys]DFSAFQCQKK